The following is an entry in ClinVar:

NM_000553.6(WRN):c.3080T>C (p.Phe1027Ser)

Gene: WRN (WRN RecQ like helicase; plus strand). Cytogenetic location: 8p12.
Variant type: single nucleotide variant.
Coding change: c.3080T>C on transcript NM_000553.6 (MANE Select); coding-DNA position 3080, T replaced by C.
Protein change: p.Phe1027Ser; replaces phenylalanine 1027 with serine.
Molecular consequence: missense variant.
Genome position (GRCh38, 1-based): chr8:31,141,542, T>C. VCF-style: chr8-31141542-T-C. GRCh37 (hg19) VCF-style: chr8-30999058-T-C.
Other names: short protein forms F1027S.
Identifiers: ClinVar variation 1525686 (VCV001525686.6), dbSNP rs1802630504, ClinGen allele CA370922248.

ClinVar aggregate classification (germline): Uncertain significance (1 of 4 stars; one submission).

Conditions:
Werner syndrome (WRN). Identifiers: Orphanet 902, MedGen C0043119, MONDO:0010196, OMIM 277700.

Allele frequency attached by ClinVar (database versions not stated): gnomAD exomes below 0.00001.
gnomAD v4.1: 1 of 1,614,190 alleles (0.000062%); highest among the groups gnomAD compares: Non-Finnish European, 0.000085%; no homozygotes.

Submission:

Labcorp Genetics (formerly Invitae), Labcorp
Classification: Uncertain significance for Werner syndrome. Last evaluated: 2021-11-10. Review status: criteria provided, single submitter. Criteria: Invitae Variant Classification Sherloc (09022015). Collection method: clinical testing. Allele origin: germline.
Comment: In summary, the available evidence is currently insufficient to determine the role of this variant in disease. Therefore, it has been classified as a Variant of Uncertain Significance. Algorithms developed to predict the effect of missense changes on protein structure and function are either unavailable or do not agree on the potential impact of this missense change (SIFT: "Not Available"; PolyPhen-2: "Probably Damaging"; Align-GVGD: "Not Available"). This variant has not been reported in the literature in individuals affected with WRN-related conditions. This variant is not present in population databases (gnomAD no frequency). This sequence change replaces phenylalanine, which is neutral and non-polar, with serine, which is neutral and polar, at codon 1027 of the WRN protein (p.Phe1027Ser).